The following is an entry in ClinVar:

NM_000493.4(COL10A1):c.1957C>T (p.Gln653Ter)

Genes: COL10A1 (collagen type X alpha 1 chain; minus strand), NT5DC1 (5'-nucleotidase domain containing 1; plus strand). Cytogenetic location: 6q22.1.
Variant type: single nucleotide variant.
Coding change: c.1957C>T on transcript NM_000493.4 (MANE Select); coding-DNA position 1957, C replaced by T.
Protein change: p.Gln653Ter; replaces glutamine 653 with a stop codon.
Molecular consequence: nonsense. On other transcripts: intron variant (1).
Genome position (GRCh38, 1-based): chr6:116,120,159, G>A on the plus strand (C>T on the coding strand, the complement: COL10A1 is on the minus strand). VCF-style: chr6-116120159-G-A. GRCh37 (hg19) VCF-style: chr6-116441322-G-A.
Other names: c.1957C>T, p.Gln653Ter (NM_001424106.1, NM_001424107.1); c.529+2214G>A (NM_152729.3); short protein forms Q653*.
Identifiers: ClinVar variation 1405298 (VCV001405298.9), dbSNP rs2114276886, ClinGen allele CA365386319.

ClinVar aggregate classification (germline): Pathogenic/Likely pathogenic. Review status: criteria provided, multiple submitters, no conflicts (2 of 4 stars). 2 submissions from 2 submitters: Pathogenic (1); Likely pathogenic (1). Last evaluated 2026-04-07.

Conditions:
Metaphyseal chondrodysplasia, Schmid type (MCDS). Also called: SPONDYLOMETAPHYSEAL DYSPLASIA, JAPANESE TYPE. Identifiers: Orphanet 174, MedGen C0265289, MONDO:0007983, OMIM 156500.

Submissions (2):

Clinical Genetics and Genomics, Karolinska University Hospital
Classification: Likely pathogenic for Metaphyseal chondrodysplasia, Schmid type. Last evaluated: 2026-04-07. Review status: criteria provided, single submitter. Criteria: ACMG Guidelines, 2015. Collection method: clinical testing. Allele origin: unknown. Affected: yes.
Comment: This sequence change creates a premature translational stop signal (p.Gln653*) in the COL10A1 gene. While this is not anticipated to result in nonsense mediated decay, it is expected to disrupt the last 28 amino acid(s) of the COL10A1 protein. This variant is not present in population databases (gnomAD no frequency). This premature translational stop signal has been observed in individuals with clinical features of autosomal dominant metaphyseal chondrodysplasia, Schmid type (PMID: 21360259, Variation ID: 1405298).

Labcorp Genetics (formerly Invitae), Labcorp
Classification: Pathogenic. Last evaluated: 2023-12-19. Review status: criteria provided, single submitter. Criteria: Invitae Variant Classification Sherloc (09022015). Collection method: clinical testing. Allele origin: germline.
Comment: This sequence change creates a premature translational stop signal (p.Gln653*) in the COL10A1 gene. While this is not anticipated to result in nonsense mediated decay, it is expected to disrupt the last 28 amino acid(s) of the COL10A1 protein. This variant is not present in population databases (gnomAD no frequency). This premature translational stop signal has been observed in individuals with clinical features of autosomal dominant metaphyseal chondrodysplasia, Schmid type (PMID: 21360259; Invitae). ClinVar contains an entry for this variant (Variation ID: 1405298). This variant is located in a region of the COL10A1 protein where a significant number of COL10A1 nonsense and frameshift mutations have been reported in association with autosomal dominant metaphyseal chondrodysplasia (PMID: 21447328, 33764685, 36400164). For these reasons, this variant has been classified as Pathogenic.

Literature cited by the submitters: PubMed 21360259 (cited by Labcorp Genetics (formerly Invitae), Labcorp); PubMed 21447328 (cited by Labcorp Genetics (formerly Invitae), Labcorp); PubMed 33764685 (cited by Labcorp Genetics (formerly Invitae), Labcorp); PubMed 36400164 (cited by Labcorp Genetics (formerly Invitae), Labcorp).